The following is an entry in ClinVar:

NM_019066.5(MAGEL2):c.2143A>G (p.Met715Val)

Gene: MAGEL2 (MAGE family member L2; minus strand). Cytogenetic location: 15q11.2.
Variant type: single nucleotide variant.
Coding change: c.2143A>G on transcript NM_019066.5 (MANE Select); coding-DNA position 2143, A replaced by G.
Protein change: p.Met715Val; replaces methionine 715 with valine.
Molecular consequence: missense variant.
Genome position (GRCh38, 1-based): chr15:23,645,600, T>C on the plus strand (A>G on the coding strand, the complement: MAGEL2 is on the minus strand). VCF-style: chr15-23645600-T-C. GRCh37 (hg19) VCF-style: chr15-23890747-T-C.
Other names: short protein forms M715V.
Identifiers: ClinVar variation 4624183 (VCV004624183.1).

ClinVar aggregate classification (germline): Uncertain significance (1 of 4 stars; one submission).

Conditions:
Inborn genetic diseases. Identifiers: MedGen C0950123, MeSH D030342.

gnomAD v4.1: 4 of 1,603,144 alleles (0.00025%); highest among the groups gnomAD compares: African/African-American, 0.0013%; no homozygotes.

Submission:

Ambry Genetics
Classification: Uncertain significance for Inborn genetic diseases. Last evaluated: 2025-11-06. Review status: criteria provided, single submitter. Criteria: Ambry Variant Classification Scheme 2023. Collection method: clinical testing. Allele origin: germline.
Comment: The c.2143A>G (p.M715V) alteration is located in exon 1 (coding exon 1) of the MAGEL2 gene. This alteration results from a A to G substitution at nucleotide position 2143, causing the methionine (M) at amino acid position 715 to be replaced by a valine (V). Based on data from gnomAD, the G allele has an overall frequency of 0.003% (1/31378) total alleles studied. The highest observed frequency was 0.012% (1/8712) of African alleles. Based on insufficient or conflicting evidence, the clinical significance of this alteration remains unclear.